The following is an entry in ClinVar:

NM_001130009.3(GEN1):c.181T>C (p.Ser61Pro)

Gene: GEN1 (GEN1 structure-specific endonuclease; plus strand). Cytogenetic location: 2p24.2.
Variant type: single nucleotide variant.
Coding change: c.181T>C on transcript NM_001130009.3 (MANE Select); coding-DNA position 181, T replaced by C.
Protein change: p.Ser61Pro; replaces serine 61 with proline.
Molecular consequence: missense variant.
Genome position (GRCh38, 1-based): chr2:17,761,415, T>C. VCF-style: chr2-17761415-T-C. GRCh37 (hg19) VCF-style: chr2-17942682-T-C.
Other names: c.181T>C, p.Ser61Pro (NM_182625.5); short protein forms S61P.
Identifiers: ClinVar variation 4857998 (VCV004857998.1).

ClinVar aggregate classification (germline): Uncertain significance (1 of 4 stars; one submission).

Submission:

Ambry Genetics
Classification: Uncertain significance. Last evaluated: 2026-05-27. Review status: criteria provided, single submitter. Criteria: Ambry Variant Classification Scheme 2023. Collection method: clinical testing. Allele origin: germline.
Comment: The p.S61P variant (also known as c.181T>C), located in coding exon 2 of the GEN1 gene, results from a T to C substitution at nucleotide position 181. The serine at codon 61 is replaced by proline, an amino acid with similar properties. This amino acid position is conserved. In addition, this alteration is predicted to be deleterious by in silico analysis. Based on the available evidence, the clinical significance of this variant remains unclear.